The following is an entry in ClinVar:

ClinVar aggregate classification (germline): Uncertain significance. Review status: criteria provided, multiple submitters, no conflicts (2 of 4 stars). 2 submissions from 2 submitters: Uncertain significance (2). Last evaluated 2024-03-11.

Conditions:
Sulfite oxidase deficiency due to molybdenum cofactor deficiency type A. Also called: Molybdenum cofactor deficiency, complementation group A; Molybdenum Cofactor Deficiency A. Identifiers: Orphanet 308386, Orphanet 833, MedGen C1854988, MONDO:0009643, OMIM 252150.

Allele frequency attached by ClinVar (database versions not stated): TOPMed 0.00002; gnomAD 0.00003; ExAC 0.00004; ESP Exome Variant Server 0.00008; gnomAD exomes 0.00010.
gnomAD v4.1: 150 of 1,614,086 alleles (0.0093%); highest among the groups gnomAD compares: Non-Finnish European, 0.012%; no homozygotes.

Submissions (2):

Fulgent Genetics
Classification: Uncertain significance for Sulfite oxidase deficiency due to molybdenum cofactor deficiency type A. Last evaluated: 2024-03-11. Review status: criteria provided, single submitter. Criteria: ACMG Guidelines, 2015. Collection method: clinical testing. Allele origin: germline.

Labcorp Genetics (formerly Invitae), Labcorp
Classification: Uncertain significance for Sulfite oxidase deficiency due to molybdenum cofactor deficiency type A. Last evaluated: 2022-09-27. Review status: criteria provided, single submitter. Criteria: Invitae Variant Classification Sherloc (09022015). Collection method: clinical testing. Allele origin: germline.
Comment: This sequence change replaces valine, which is neutral and non-polar, with isoleucine, which is neutral and non-polar, at codon 199 of the MOCS1 protein (p.Val199Ile). This variant is present in population databases (rs377241570, gnomAD 0.009%). This variant has not been reported in the literature in individuals affected with MOCS1-related conditions. Algorithms developed to predict the effect of missense changes on protein structure and function are either unavailable or do not agree on the potential impact of this missense change (SIFT: "Not Available"; PolyPhen-2: "Probably Damaging"; Align-GVGD: "Not Available"). In summary, the available evidence is currently insufficient to determine the role of this variant in disease. Therefore, it has been classified as a Variant of Uncertain Significance.

NM_001358530.2(MOCS1):c.595G>A (p.Val199Ile)

Gene: MOCS1 (molybdenum cofactor synthesis 1; minus strand). Cytogenetic location: 6p21.2.
Variant type: single nucleotide variant.
Coding change: c.595G>A on transcript NM_001358530.2 (MANE Select); coding-DNA position 595, G replaced by A.
Protein change: p.Val199Ile; replaces valine 199 with isoleucine.
Molecular consequence: missense variant. On other transcripts: non-coding transcript variant (1).
Genome position (GRCh38, 1-based): chr6:39,913,824, C>T on the plus strand (G>A on the coding strand, the complement: MOCS1 is on the minus strand). VCF-style: chr6-39913824-C-T. GRCh37 (hg19) VCF-style: chr6-39881568-C-T.
Other names: c.595G>A, p.Val199Ile (NM_001075098.4, NM_001358529.2, NM_005943.6); c.334G>A, p.Val112Ile (NM_001358531.2, NM_001358533.2, NM_001358534.2); c.595G>A (NM_005943.5); short protein forms V112I, V199I.
Identifiers: ClinVar variation 2413264 (VCV002413264.4), dbSNP rs377241570, ClinGen allele CA3796228.